The following is an entry in ClinVar:

NM_001130144.3(LTBP3):c.2215G>A (p.Gly739Ser)

Genes: LTBP3 (latent transforming growth factor beta binding protein 3; minus strand), LOC130006030 (ATAC-STARR-seq lymphoblastoid silent region 3533; plus strand). Cytogenetic location: 11q13.1.
Variant type: single nucleotide variant.
Coding change: c.2215G>A on transcript NM_001130144.3 (MANE Select); coding-DNA position 2215, G replaced by A.
Protein change: p.Gly739Ser; replaces glycine 739 with serine.
Molecular consequence: missense variant.
Genome position (GRCh38, 1-based): chr11:65,546,813, C>T on the plus strand (G>A on the coding strand, the complement: LTBP3 is on the minus strand). VCF-style: chr11-65546813-C-T. GRCh37 (hg19) VCF-style: chr11-65314284-C-T.
Other names: c.1864G>A, p.Gly622Ser (NM_001164266.1); c.2215G>A, p.Gly739Ser (NM_021070.4); short protein forms G622S, G739S.
Identifiers: ClinVar variation 2562667 (VCV002562667.2), dbSNP rs759887225, ClinGen allele CA381269890.

ClinVar aggregate classification (germline): Uncertain significance (1 of 4 stars; one submission).

Conditions:
Inborn genetic diseases. Identifiers: MedGen C0950123, MeSH D030342.

Submission:

Ambry Genetics
Classification: Uncertain significance for Inborn genetic diseases. Last evaluated: 2023-05-29. Review status: criteria provided, single submitter. Criteria: Ambry Variant Classification Scheme 2023. Collection method: clinical testing. Allele origin: germline.
Comment: The p.G739S variant (also known as c.2215G>A), located in coding exon 15 of the LTBP3 gene, results from a G to A substitution at nucleotide position 2215. The glycine at codon 739 is replaced by serine, an amino acid with similar properties. This amino acid position is conserved. In addition, this alteration is predicted to be tolerated by in silico analysis. Since supporting evidence is limited at this time, the clinical significance of this alteration remains unclear.